The following is an entry in ClinVar:

NM_000545.8(HNF1A):c.185A>G (p.Asn62Ser)

Gene: HNF1A (HNF1 homeobox A; plus strand). Cytogenetic location: 12q24.31.
Variant type: single nucleotide variant.
Coding change: c.185A>G on transcript NM_000545.8 (MANE Select); coding-DNA position 185, A replaced by G.
Protein change: p.Asn62Ser; replaces asparagine 62 with serine.
Molecular consequence: missense variant.
Genome position (GRCh38, 1-based): chr12:120,978,953, A>G. VCF-style: chr12-120978953-A-G. GRCh37 (hg19) VCF-style: chr12-121416756-A-G.
Other names: NM_000545.8(HNF1A):c.185A>G; p.Asn62Ser; c.185A>G, p.Asn62Ser (NM_001306179.2); short protein forms N62S.
Identifiers: ClinVar variation 447485 (VCV000447485.9), dbSNP rs377129682, ClinGen allele CA6831682.

ClinVar aggregate classification (germline): Benign. Review status: reviewed by expert panel (3 of 4 stars). 4 submissions from 4 submitters: Benign (1). 3 of the submissions do not count toward it. Last evaluated 2025-06-09.

Conditions:
Monogenic diabetes. Identifiers: Orphanet 183625, MedGen C3888631, MONDO:0015967.
Maturity-onset diabetes of the young (MODY). Also called: Maturity onset diabetes mellitus in young. Identifiers: Orphanet 552, MedGen C0342276, MONDO:0018911, HP:0004904.

Allele frequency attached by ClinVar (database versions not stated): ExAC 0.00012; gnomAD exomes 0.00013 and 0.00018; ESP Exome Variant Server 0.00015; gnomAD 0.00017; TOPMed 0.00018.

Submissions (4):

ClinGen Monogenic Diabetes Variant Curation Expert Panel
Classification: Benign for Monogenic diabetes. Last evaluated: 2025-06-09. Review status: reviewed by expert panel. Criteria: ClinGen Diabetes ACMG Specifications HNF1A V2.1.0. Collection method: curation. Allele origin: germline. Inheritance: Autosomal dominant inheritance.
Comment: The c.185A>G variant in the HNF1 homeobox A gene, HNF1A, causes an amino acid change of asparagine to serine at codon 62 (p.(Asn62Ser)) of NM_000545.8. This variant has a Popmax Filtering allele frequency in gnomAD 2.1.1 of 0.00019, which is greater than the MDEP threshold for BA1 (≥0.0001) (BA1). Furthermore, this variant was identified in a patient with an alternate molecular basis for disease (BP5; internal lab contributors). Functional studies demonstrated the p.Asn62Ser protein has 65% transcriptional activity and 70% nuclear localization of wildtype; however, this is between the ClinGen MDEP cutoffs for PS3 and BS3 (PMID: 27899486). This variant has a REVEL score of 0.555, which is between the ClinGen MDEP thresholds for BP4 and PP3, predicting neither a damaging nor benign impact on HNF1A function. This variant was identified in an individual with a clinical history suggestive of HNF1A-MODY (MODY probability calculator result >50%); however, HNF4A was not tested (internal lab contributors). In summary, c.185A>G meets the criteria to be classified as benign for monogenic diabetes. ACMG/AMP criteria applied, as specified by the ClinGen MDEP (specification version 2.1.0, approved 8/11/2023): BA1, BP5.

Labcorp Genetics (formerly Invitae), Labcorp
Classification: Likely benign. Last evaluated: 2025-11-06. Review status: criteria provided, single submitter. Criteria: Invitae Variant Classification Sherloc (09022015). Collection method: clinical testing. Allele origin: germline. Not counted in ClinVar's aggregate classification.

Athena Diagnostics
Classification: Uncertain significance. Last evaluated: 2017-08-02. Review status: criteria provided, single submitter. Criteria: Athena Diagnostics Criteria. Collection method: clinical testing. Allele origin: germline. Not counted in ClinVar's aggregate classification.

Clinical Genomics, Uppaluri K&H Personalized Medicine Clinic
Classification: Uncertain significance for Maturity-onset diabetes of the young. Review status: criteria provided, single submitter. Criteria: K & H Uppaluri Personalized Medicine Clinic Variant Classification & Assertion Criteria_Updated V.1. Collection method: research. Allele origin: unknown. Inheritance: Autosomal dominant inheritance. Not counted in ClinVar's aggregate classification.
Comment: Mutations in HNF1A gene can predispose to MODY3. It is associated with both micro and macrovascular complications of diabetes, especially cardiovascular complications. Associated with glucosuria. May respond well to sulfonylureas. Sufficient evidence is found to confer the association of this particular variant rs377129682 with MODY3.

Literature cited by the submitters: PubMed 27899486 (cited by ClinGen Monogenic Diabetes Variant Curation Expert Panel and Athena Diagnostics); PubMed 24097065 (cited by Athena Diagnostics); PubMed 23348805 (cited by Athena Diagnostics); PubMed 16917892 (cited by Athena Diagnostics); PubMed 33477506 (cited by Clinical Genomics, Uppaluri K&H Personalized Medicine Clinic).